The following is an entry in ClinVar:

NM_006282.5(STK4):c.35+6G>A

Gene: STK4 (serine/threonine kinase 4; plus strand). Cytogenetic location: 20q13.12.
Variant type: single nucleotide variant.
Coding change: c.35+6G>A on transcript NM_006282.5 (MANE Select); 6 bases into the intron after coding-DNA position 35, G replaced by A.
Molecular consequence: intron variant.
Genome position (GRCh38, 1-based): chr20:44,966,609, G>A. VCF-style: chr20-44966609-G-A. GRCh37 (hg19) VCF-style: chr20-43595250-G-A.
Other names: c.35+6G>A (NM_001352385.2).
Identifiers: ClinVar variation 4692652 (VCV004692652.1).
Genomic context (GRCh38, chr20:44,966,609, plus strand): 5'-GGGCGGCTGCTGGCAGCGCCATGGAGACGGTACAGCTGAGGAACCCGCCGCGCCGGTGAG[G>A]GGCCACTGGCTAAGAGGACGGGCATGGGGTCAGGGGAAGAAAAGGCGGGAACTGGTTGAG-3'

ClinVar aggregate classification (germline): Uncertain significance (1 of 4 stars; one submission).

Conditions:
Combined immunodeficiency due to STK4 deficiency (IMD110). Also called: STK4 DEFICIENCY; MST1 DEFICIENCY; T-cell immunodeficiency, recurrent infections, and autoimmunity with or without cardiac malformations. Identifiers: Orphanet 314689, MedGen C3553943, MONDO:0013934, OMIM 614868.

gnomAD v4.1: 16 of 1,274,386 alleles (0.0013%); highest among the groups gnomAD compares: South Asian, 0.049%; no homozygotes.

Submission:

Labcorp Genetics (formerly Invitae), Labcorp
Classification: Uncertain significance for Combined immunodeficiency due to STK4 deficiency. Last evaluated: 2026-01-25. Review status: criteria provided, single submitter. Criteria: Invitae Variant Classification Sherloc (09022015). Collection method: clinical testing. Allele origin: germline.
Comment: This sequence change falls in intron 1 of the STK4 gene. It does not directly change the encoded amino acid sequence of the STK4 protein. It affects a nucleotide within the consensus splice site. This variant is not present in population databases (gnomAD no frequency). This variant has not been reported in the literature in individuals affected with STK4-related conditions. Variants that disrupt the consensus splice site are a relatively common cause of aberrant splicing (PMID: 17576681, 9536098). Algorithms developed to predict the effect of sequence changes on RNA splicing suggest that this variant is not likely to affect RNA splicing. In summary, the available evidence is currently insufficient to determine the role of this variant in disease. Therefore, it has been classified as a Variant of Uncertain Significance.

Literature cited by the submitters: PubMed 17576681; PubMed 9536098.